The following is an entry in ClinVar:

ClinVar aggregate classification (germline): Conflicting classifications of pathogenicity. Review status: criteria provided, conflicting classifications (1 of 4 stars). 4 submissions from 4 submitters: Uncertain significance (2); Likely benign (1). 1 of the submissions does not count toward it. Last evaluated 2025-04-30.

Conditions:
Metachromatic leukodystrophy (MLD). Also called: Cerebral sclerosis diffuse metachromatic form; ARSA DEFICIENCY; CEREBROSIDE SULFATASE DEFICIENCY; METACHROMATIC LEUKOENCEPHALOPATHY; Arylsulfatase A Deficiency; SULFATIDE LIPIDOSIS. Identifiers: Orphanet 512, MedGen C0023522, MONDO:0018868, OMIM 250100.

Allele frequency attached by ClinVar (database versions not stated): TOPMed 0.00002.
gnomAD v4.1: 45 of 1,592,644 alleles (0.0028%); highest among the groups gnomAD compares: Admixed American, 0.018%; no homozygotes.

Submissions (4):

GeneDx
Classification: Likely benign. Last evaluated: 2025-04-30. Review status: criteria provided, single submitter. Criteria: GeneDx Variant Classification Process June 2021. Collection method: clinical testing. Allele origin: germline. Affected: yes.
Comment: See Variant Classification Assertion Criteria.

Labcorp Genetics (formerly Invitae), Labcorp
Classification: Uncertain significance for Metachromatic leukodystrophy. Last evaluated: 2022-08-09. Review status: criteria provided, single submitter. Criteria: Invitae Variant Classification Sherloc (09022015). Collection method: clinical testing. Allele origin: germline.
Comment: This sequence change replaces arginine, which is basic and polar, with proline, which is neutral and non-polar, at codon 99 of the ARSA protein (p.Arg99Pro). This variant is present in population databases (rs759295985, gnomAD 0.03%). This variant has not been reported in the literature in individuals affected with ARSA-related conditions. ClinVar contains an entry for this variant (Variation ID: 965478). Advanced modeling of protein sequence and biophysical properties (such as structural, functional, and spatial information, amino acid conservation, physicochemical variation, residue mobility, and thermodynamic stability) performed at Invitae indicates that this missense variant is expected to disrupt ARSA protein function. In summary, the available evidence is currently insufficient to determine the role of this variant in disease. Therefore, it has been classified as a Variant of Uncertain Significance.

Fulgent Genetics
Classification: Uncertain significance for Metachromatic leukodystrophy. Last evaluated: 2022-02-22. Review status: criteria provided, single submitter. Criteria: ACMG Guidelines, 2015. Collection method: clinical testing. Allele origin: unknown.

Natera, Inc.
Classification: Uncertain significance for Metachromatic leukodystrophy. Last evaluated: 2020-03-04. Review status: no assertion criteria provided. Collection method: clinical testing. Allele origin: germline. Not counted in ClinVar's aggregate classification.

NM_000487.6(ARSA):c.296G>C (p.Arg99Pro)

Gene: ARSA (arylsulfatase A; minus strand). Cytogenetic location: 22q13.33.
Variant type: single nucleotide variant.
Coding change: c.296G>C on transcript NM_000487.6 (MANE Select); coding-DNA position 296, G replaced by C.
Protein change: p.Arg99Pro; replaces arginine 99 with proline.
Molecular consequence: missense variant.
Genome position (GRCh38, 1-based): chr22:50,627,335, C>G on the plus strand (G>C on the coding strand, the complement: ARSA is on the minus strand). VCF-style: chr22-50627335-C-G. GRCh37 (hg19) VCF-style: chr22-51065763-C-G.
Other names: c.296G>C, p.Arg99Pro (NM_001085425.3, NM_001085426.3, NM_001085427.3); c.38G>C, p.Arg13Pro (NM_001085428.3, NM_001362782.2); short protein forms R99P, R13P.
Identifiers: ClinVar variation 965478 (VCV000965478.11), dbSNP rs759295985, ClinGen allele CA10325063.